The following is an entry in ClinVar:

ClinVar aggregate classification (germline): Benign/Likely benign. Review status: criteria provided, multiple submitters, no conflicts (2 of 4 stars). 3 submissions from 3 submitters: Benign (1); Likely benign (1). 1 of the submissions does not count toward it. Last evaluated 2026-01-24.

Conditions:
CIB1-related disorder. Also called: CIB1-related condition.

Allele frequency attached by ClinVar (database versions not stated): ExAC 0.00124; 1000 Genomes Project 0.00359; gnomAD 0.00383 and 0.00418; 1000 Genomes Project 30x 0.00468; ESP Exome Variant Server 0.00431; TOPMed 0.00466; gnomAD exomes 0.00109.
gnomAD v4.1: 1,208 of 1,614,230 alleles (0.075%); highest among the groups gnomAD compares: African/African-American, 1.3%; 5 homozygotes.

Submissions (3):

Labcorp Genetics (formerly Invitae), Labcorp
Classification: Benign. Last evaluated: 2026-01-24. Review status: criteria provided, single submitter. Criteria: Invitae Variant Classification Sherloc (09022015). Collection method: clinical testing. Allele origin: germline.

Blueprint Genetics
Classification: Likely benign. Last evaluated: 2024-11-27. Review status: criteria provided, single submitter. Criteria: ACMG Guidelines, 2015. Collection method: clinical testing. Allele origin: germline.

PreventionGenetics, part of Exact Sciences
Classification: Benign for CIB1-related condition. Last evaluated: 2019-12-09. Review status: no assertion criteria provided. Collection method: clinical testing. Allele origin: germline. Not counted in ClinVar's aggregate classification.
Comment: This variant is classified as benign based on ACMG/AMP sequence variant interpretation guidelines (Richards et al. 2015 PMID: 25741868, with internal and published modifications).

NM_006384.4(CIB1):c.444G>A (p.Glu148=)

Gene: CIB1 (calcium and integrin binding 1; minus strand). Cytogenetic location: 15q26.1.
Variant type: single nucleotide variant.
Coding change: c.444G>A on transcript NM_006384.4 (MANE Select); coding-DNA position 444, G replaced by A.
Protein change: p.Glu148=; no amino-acid change (glutamic acid 148 retained).
Molecular consequence: synonymous variant. On other transcripts: non-coding transcript variant (2).
Genome position (GRCh38, 1-based): chr15:90,231,116, C>T on the plus strand (G>A on the coding strand, the complement: CIB1 is on the minus strand). VCF-style: chr15-90231116-C-T. GRCh37 (hg19) VCF-style: chr15-90774348-C-T.
Other names: c.564G>A, p.Glu188= (NM_001277764.2).
Identifiers: ClinVar variation 710076 (VCV000710076.12), dbSNP rs34645714, ClinGen allele CA7734179.